The following is an entry in ClinVar:

ClinVar aggregate classification (germline): Uncertain significance (1 of 4 stars; one submission).

Submission:

Labcorp Genetics (formerly Invitae), Labcorp
Classification: Uncertain significance. Last evaluated: 2022-08-07. Review status: criteria provided, single submitter. Criteria: Invitae Variant Classification Sherloc (09022015). Collection method: clinical testing. Allele origin: germline.
Comment: This variant has not been reported in the literature in individuals affected with CNGB1-related conditions. This variant is not present in population databases (gnomAD no frequency). This sequence change replaces lysine, which is basic and polar, with threonine, which is neutral and polar, at codon 902 of the CNGB1 protein (p.Lys902Thr). In summary, the available evidence is currently insufficient to determine the role of this variant in disease. Therefore, it has been classified as a Variant of Uncertain Significance. Advanced modeling of protein sequence and biophysical properties (such as structural, functional, and spatial information, amino acid conservation, physicochemical variation, residue mobility, and thermodynamic stability) performed at Invitae indicates that this missense variant is not expected to disrupt CNGB1 protein function.

NM_001297.5(CNGB1):c.2705A>C (p.Lys902Thr)

Gene: CNGB1 (cyclic nucleotide gated channel subunit beta 1; minus strand). Cytogenetic location: 16q21.
Variant type: single nucleotide variant.
Coding change: c.2705A>C on transcript NM_001297.5 (MANE Select); coding-DNA position 2705, A replaced by C.
Protein change: p.Lys902Thr; replaces lysine 902 with threonine.
Molecular consequence: missense variant.
Genome position (GRCh38, 1-based): chr16:57,903,911, T>G on the plus strand (A>C on the coding strand, the complement: CNGB1 is on the minus strand). VCF-style: chr16-57903911-T-G. GRCh37 (hg19) VCF-style: chr16-57937815-T-G.
Other names: c.2687A>C, p.Lys896Thr (NM_001286130.2); short protein forms K896T, K902T.
Identifiers: ClinVar variation 1715576 (VCV001715576.5), dbSNP rs2544618907, ClinGen allele CA396057843.